The following is an entry in ClinVar:

ClinVar aggregate classification (germline): Uncertain significance. Review status: criteria provided, multiple submitters, no conflicts (2 of 4 stars). 4 submissions from 4 submitters: Uncertain significance (4). Last evaluated 2025-12-29.

Conditions:
Hereditary cancer-predisposing syndrome. Also called: Tumor predisposition; Hereditary neoplastic syndrome; Neoplastic Syndromes, Hereditary; Hereditary Cancer Syndrome. Identifiers: Orphanet 140162, MedGen C0027672, MeSH D009386, MONDO:0015356.
Familial adenomatous polyposis 1 (FAP1). Also called: POLYPOSIS, ADENOMATOUS INTESTINAL; FAMILIAL ADENOMATOUS POLYPOSIS 1, ATTENUATED. Identifiers: MedGen C2713442, MONDO:0021056, OMIM 175100. Disease mechanism: loss of function.

Allele frequency attached by ClinVar (database versions not stated): gnomAD exomes below 0.00001.
gnomAD v4.1: 3 of 1,614,210 alleles (0.00019%); highest among the groups gnomAD compares: Non-Finnish European, 0.00025%; no homozygotes.

Submissions (4):

Center for Genomic Medicine, Rigshospitalet, Copenhagen University Hospital
Classification: Uncertain significance. Last evaluated: 2025-12-29. Review status: criteria provided, single submitter. Criteria: ACMG Guidelines, 2015. Collection method: clinical testing. Allele origin: germline.
Comment: Classification criteria: PM2_supporting

Labcorp Genetics (formerly Invitae), Labcorp
Classification: Uncertain significance for Familial adenomatous polyposis 1. Last evaluated: 2025-04-14. Review status: criteria provided, single submitter. Criteria: Invitae Variant Classification Sherloc (09022015). Collection method: clinical testing. Allele origin: germline.
Comment: This sequence change replaces aspartic acid, which is acidic and polar, with glutamic acid, which is acidic and polar, at codon 1297 of the APC protein (p.Asp1297Glu). This variant is not present in population databases (gnomAD no frequency). This variant has not been reported in the literature in individuals affected with APC-related conditions. ClinVar contains an entry for this variant (Variation ID: 665117). Invitae Evidence Modeling of protein sequence and biophysical properties (such as structural, functional, and spatial information, amino acid conservation, physicochemical variation, residue mobility, and thermodynamic stability) indicates that this missense variant is not expected to disrupt APC protein function with a negative predictive value of 95%. In summary, the available evidence is currently insufficient to determine the role of this variant in disease. Therefore, it has been classified as a Variant of Uncertain Significance.

Ambry Genetics
Classification: Uncertain significance for Hereditary cancer-predisposing syndrome. Last evaluated: 2024-12-23. Review status: criteria provided, single submitter. Criteria: Ambry Variant Classification Scheme 2023. Collection method: clinical testing. Allele origin: germline.
Comment: The p.D1297E variant (also known as c.3891T>G), located in coding exon 15 of the APC gene, results from a T to G substitution at nucleotide position 3891. The aspartic acid at codon 1297 is replaced by glutamic acid, an amino acid with highly similar properties. Missense alterations in APC are not a common cause of disease (Spier I et al. Genet Med. 2024 Feb;26(2):100992). This amino acid position is not well conserved in available vertebrate species. In addition, in silico predictors for this gene do not accurately predict pathogenicity. Based on the available evidence, the clinical significance of this variant remains unclear.

Color Diagnostics, LLC DBA Color Health
Classification: Uncertain significance for Hereditary cancer-predisposing syndrome. Last evaluated: 2024-09-09. Review status: criteria provided, single submitter. Criteria: ACMG Guidelines, 2015. Collection method: clinical testing. Allele origin: germline.
Comment: This missense variant replaces aspartic acid with glutamic acid at codon 1297 of the APC protein. Computational prediction suggests that this variant may not impact protein structure and function (internally defined REVEL score threshold <= 0.5, PMID: 27666373). To our knowledge, functional studies have not been reported for this variant. This variant has been reported in a family affected with colorectal cancer, and the individual carrying the variant was confirmed not to be affected with polyps (PMID: 35904628). This variant has not been identified in the general population by the Genome Aggregation Database (gnomAD). The available evidence is insufficient to determine the role of this variant in disease conclusively. Therefore, this variant is classified as a Variant of Uncertain Significance.

Literature cited by the submitters: PubMed 35904628 (cited by Color Diagnostics, LLC DBA Color Health).

NM_000038.6(APC):c.3891T>G (p.Asp1297Glu)

Gene: APC (APC regulator of Wnt signaling pathway; plus strand). Cytogenetic location: 5q22.2.
Variant type: single nucleotide variant.
Coding change: c.3891T>G on transcript NM_000038.6 (MANE Select); coding-DNA position 3891, T replaced by G.
Protein change: p.Asp1297Glu; replaces aspartic acid 1297 with glutamic acid.
Molecular consequence: missense variant.
Genome position (GRCh38, 1-based): chr5:112,839,485, T>G. VCF-style: chr5-112839485-T-G. GRCh37 (hg19) VCF-style: chr5-112175182-T-G.
Other names: c.3891T>G, p.Asp1297Glu (NM_001127510.3, NM_001354895.2); c.3837T>G, p.Asp1279Glu (NM_001127511.3); c.3945T>G, p.Asp1315Glu (NM_001354896.2); c.3921T>G, p.Asp1307Glu (NM_001354897.2); c.3816T>G, p.Asp1272Glu (NM_001354898.2); c.3807T>G, p.Asp1269Glu (NM_001354899.2); c.3768T>G, p.Asp1256Glu (NM_001354900.2); c.3714T>G, p.Asp1238Glu (NM_001354901.2); and 5 more; short protein forms D1137E, D1297E, D1014E, D1269E, D1272E, D1307E, D1171E, D1279E.
Identifiers: ClinVar variation 665117 (VCV000665117.18), dbSNP rs1580641196, ClinGen allele CA16029873.